The following is an entry in ClinVar:

NM_004370.6(COL12A1):c.871C>A (p.Pro291Thr)

Gene: COL12A1 (collagen type XII alpha 1 chain; minus strand). Cytogenetic location: 6q13.
Variant type: single nucleotide variant.
Coding change: c.871C>A on transcript NM_004370.6 (MANE Select); coding-DNA position 871, C replaced by A.
Protein change: p.Pro291Thr; replaces proline 291 with threonine.
Molecular consequence: missense variant. On other transcripts: intron variant (1).
Genome position (GRCh38, 1-based): chr6:75,188,488, G>T on the plus strand (C>A on the coding strand, the complement: COL12A1 is on the minus strand). VCF-style: chr6-75188488-G-T. GRCh37 (hg19) VCF-style: chr6-75898204-G-T.
Other names: c.73+14232C>A (NM_080645.3); short protein forms P291T.
Identifiers: ClinVar variation 1506108 (VCV001506108.8), dbSNP rs1319038184, ClinGen allele CA364727662.

ClinVar aggregate classification (germline): Uncertain significance (1 of 4 stars; one submission).

Conditions:
Ullrich congenital muscular dystrophy 2 (UCMD2). Identifiers: Orphanet 75840, MedGen C4225314, MONDO:0014654, OMIM 616470.
Bethlem myopathy 2 (BTHLM2). Identifiers: Orphanet 536516, Orphanet 610, MedGen C4225313, MONDO:0034022, OMIM 616471.

Allele frequency attached by ClinVar (database versions not stated): gnomAD exomes below 0.00001; TOPMed below 0.00001.
gnomAD v4.1: 3 of 1,613,466 alleles (0.00019%); highest among the groups gnomAD compares: Admixed American, 0.0017%; no homozygotes.

Submission:

Labcorp Genetics (formerly Invitae), Labcorp
Classification: Uncertain significance for Bethlem myopathy 2; Ullrich congenital muscular dystrophy 2. Last evaluated: 2021-02-25. Review status: criteria provided, single submitter. Criteria: Invitae Variant Classification Sherloc (09022015). Collection method: clinical testing. Allele origin: germline.
Comment: In summary, the available evidence is currently insufficient to determine the role of this variant in disease. Therefore, it has been classified as a Variant of Uncertain Significance. Algorithms developed to predict the effect of missense changes on protein structure and function do not agree on the potential impact of this missense change (SIFT: "Deleterious"; PolyPhen-2: "Probably Damaging"; Align-GVGD: "Class C0"). This variant has not been reported in the literature in individuals with COL12A1-related disease. This variant is not present in population databases (ExAC no frequency). This sequence change replaces proline with threonine at codon 291 of the COL12A1 protein (p.Pro291Thr). The proline residue is highly conserved and there is a small physicochemical difference between proline and threonine.